The following is an entry in ClinVar:

NM_023036.6(DNAI2):c.1213T>A (p.Tyr405Asn)

Gene: DNAI2 (dynein axonemal intermediate chain 2; plus strand). Cytogenetic location: 17q25.1.
Variant type: single nucleotide variant.
Coding change: c.1213T>A on transcript NM_023036.6 (MANE Select); coding-DNA position 1213, T replaced by A.
Protein change: p.Tyr405Asn; replaces tyrosine 405 with asparagine.
Molecular consequence: missense variant. On other transcripts: non-coding transcript variant (1).
Genome position (GRCh38, 1-based): chr17:74,309,254, T>A. VCF-style: chr17-74309254-T-A. GRCh37 (hg19) VCF-style: chr17-72305393-T-A.
Other names: c.1213T>A, p.Tyr405Asn (NM_001172810.3, NM_001353167.2); short protein forms Y405N.
Identifiers: ClinVar variation 1751023 (VCV001751023.2), dbSNP rs2509762752, ClinGen allele CA400911560.

ClinVar aggregate classification (germline): Uncertain significance (1 of 4 stars; one submission).

Conditions:
Primary ciliary dyskinesia. Also called: Ciliary dyskinesia. Identifiers: Orphanet 244, MedGen C0008780, MONDO:0016575, HP:0012265.

Submission:

Ambry Genetics
Classification: Uncertain significance for Primary ciliary dyskinesia. Last evaluated: 2017-01-13. Review status: criteria provided, single submitter. Criteria: Ambry Variant Classification Scheme 2023. Collection method: clinical testing. Allele origin: germline.
Comment: The p.Y405N variant (also known as c.1213T>A), located in coding exon 9 of the DNAI2 gene, results from a T to A substitution at nucleotide position 1213. The tyrosine at codon 405 is replaced by asparagine, an amino acid with dissimilar properties. This amino acid position is highly conserved in available vertebrate species. In addition, this alteration is predicted to be tolerated by in silico analysis. Since supporting evidence is limited at this time, the clinical significance of this alteration remains unclear.